The following is an entry in ClinVar:

ClinVar aggregate classification (germline): Uncertain significance (1 of 4 stars; one submission).

Conditions:
Psoriasis 2. Identifiers: MedGen C1864497, MONDO:0011269, OMIM 602723.
Pityriasis rubra pilaris (PRP). Also called: Pityriasis rubra pilaris--familial type. Identifiers: Orphanet 2897, MedGen C0032027, MONDO:0100017, OMIM 173200, MONDO:0008251.

Submission:

Labcorp Genetics (formerly Invitae), Labcorp
Classification: Uncertain significance for Pityriasis rubra pilaris; Psoriasis 2. Last evaluated: 2025-07-03. Review status: criteria provided, single submitter. Criteria: Invitae Variant Classification Sherloc (09022015). Collection method: clinical testing. Allele origin: germline.
Comment: This sequence change replaces histidine, which is basic and polar, with tyrosine, which is neutral and polar, at codon 698 of the CARD14 protein (p.His698Tyr). This variant is not present in population databases (gnomAD no frequency). This variant has not been reported in the literature in individuals affected with CARD14-related conditions. Invitae Evidence Modeling of protein sequence and biophysical properties (such as structural, functional, and spatial information, amino acid conservation, physicochemical variation, residue mobility, and thermodynamic stability) indicates that this missense variant is not expected to disrupt CARD14 protein function with a negative predictive value of 95%. In summary, the available evidence is currently insufficient to determine the role of this variant in disease. Therefore, it has been classified as a Variant of Uncertain Significance.

NM_001366385.1(CARD14):c.2092C>T (p.His698Tyr)

Genes: SGSH (N-sulfoglucosamine sulfohydrolase; minus strand), CARD14 (caspase recruitment domain family member 14; plus strand). Cytogenetic location: 17q25.3.
Variant type: single nucleotide variant.
Coding change: c.2092C>T on transcript NM_001366385.1 (MANE Select); coding-DNA position 2092, C replaced by T.
Protein change: p.His698Tyr; replaces histidine 698 with tyrosine.
Molecular consequence: missense variant. On other transcripts: non-coding transcript variant (1).
Genome position (GRCh38, 1-based): chr17:80,202,293, C>T. VCF-style: chr17-80202293-C-T. GRCh37 (hg19) VCF-style: chr17-78176092-C-T.
Other names: c.2092C>T, p.His698Tyr (NM_001257970.1, NM_024110.4); short protein forms H698Y.
Identifiers: ClinVar variation 4783640 (VCV004783640.1).